The following is an entry in ClinVar:

ClinVar aggregate classification (germline): Uncertain significance (1 of 4 stars; one submission).

Submission:

Labcorp Genetics (formerly Invitae), Labcorp
Classification: Uncertain significance. Last evaluated: 2022-02-11. Review status: criteria provided, single submitter. Criteria: Invitae Variant Classification Sherloc (09022015). Collection method: clinical testing. Allele origin: germline.
Comment: In summary, the available evidence is currently insufficient to determine the role of this variant in disease. Therefore, it has been classified as a Variant of Uncertain Significance. Algorithms developed to predict the effect of missense changes on protein structure and function are either unavailable or do not agree on the potential impact of this missense change (SIFT: "Tolerated"; PolyPhen-2: "Possibly Damaging"; Align-GVGD: "Class C0"). This variant has not been reported in the literature in individuals affected with POLE2-related conditions. This variant is not present in population databases (gnomAD no frequency). This sequence change replaces proline, which is neutral and non-polar, with serine, which is neutral and polar, at codon 367 of the POLE2 protein (p.Pro367Ser).

NM_002692.4(POLE2):c.1099C>T (p.Pro367Ser)

Gene: POLE2 (DNA polymerase epsilon 2, accessory subunit; minus strand). Cytogenetic location: 14q21.3.
Variant type: single nucleotide variant.
Coding change: c.1099C>T on transcript NM_002692.4 (MANE Select); coding-DNA position 1099, C replaced by T.
Protein change: p.Pro367Ser; replaces proline 367 with serine.
Molecular consequence: missense variant.
Genome position (GRCh38, 1-based): chr14:49,654,189, G>A on the plus strand (C>T on the coding strand, the complement: POLE2 is on the minus strand). VCF-style: chr14-49654189-G-A. GRCh37 (hg19) VCF-style: chr14-50120907-G-A.
Other names: c.1021C>T, p.Pro341Ser (NM_001197330.2); c.1099C>T, p.Pro367Ser (NM_001197331.3); c.1096C>T, p.Pro366Ser (NM_001348384.2); c.868C>T, p.Pro290Ser (NM_001348385.2); short protein forms P366S, P367S, P290S, P341S.
Identifiers: ClinVar variation 1473737 (VCV001473737.8), dbSNP rs2139621096, ClinGen allele CA389600795.